The following is an entry in ClinVar:

NM_003242.6(TGFBR2):c.227T>C (p.Ile76Thr)

Gene: TGFBR2 (transforming growth factor beta receptor 2; plus strand). Cytogenetic location: 3p24.1.
Variant type: single nucleotide variant.
Coding change: c.227T>C on transcript NM_003242.6 (MANE Select); coding-DNA position 227, T replaced by C.
Protein change: p.Ile76Thr; replaces isoleucine 76 with threonine.
Molecular consequence: missense variant. On other transcripts: intron variant (2).
Genome position (GRCh38, 1-based): chr3:30,644,879, T>C. VCF-style: chr3-30644879-T-C. GRCh37 (hg19) VCF-style: chr3-30686371-T-C.
Other names: c.302T>C, p.Ile101Thr (NM_001024847.3, NM_001407126.1, NM_001407139.1); c.227T>C, p.Ile76Thr (NM_001407127.1, NM_001407130.1); c.254T>C, p.Ile85Thr (NM_001407128.1); c.122T>C, p.Ile41Thr (NM_001407129.1, NM_001407132.1, NM_001407133.1 and 3 more transcripts); c.227T>C (NM_003242.5); c.169+21606T>C (NM_001407137.1); c.95-26759T>C (NM_001407138.1); short protein forms I101T, I41T, I76T, I85T.
Identifiers: ClinVar variation 3075369 (VCV003075369.3), dbSNP rs913573840, ClinGen allele CA71499932.

ClinVar aggregate classification (germline): Uncertain significance. Review status: criteria provided, multiple submitters, no conflicts (2 of 4 stars). 3 submissions from 3 submitters: Uncertain significance (3). Last evaluated 2025-12-22.

Conditions:
Familial thoracic aortic aneurysm and aortic dissection (TAAD). Also called: Thoracic aortic aneurysms and dissections. Identifiers: Orphanet 91387, MedGen C4707243, MONDO:0019625.
Loeys-Dietz syndrome 2 (LDS2). Also called: Marfan syndrome, type 2 (formerly); TGFBR2-Related Loeys-Dietz Syndrome; AORTIC ANEURYSM, FAMILIAL THORACIC 3; MARFAN SYNDROME, TYPE II; Marfan Syndrome type 2; Marfan like connective tissue disorder. Identifiers: Orphanet 284973, Orphanet 558, MedGen C2674574, MONDO:0012427, OMIM 610168.

Allele frequency attached by ClinVar (database versions not stated): TOPMed 0.00001.

Submissions (3):

Labcorp Genetics (formerly Invitae), Labcorp
Classification: Uncertain significance for Familial thoracic aortic aneurysm and aortic dissection. Last evaluated: 2025-12-22. Review status: criteria provided, single submitter. Criteria: Invitae Variant Classification Sherloc (09022015). Collection method: clinical testing. Allele origin: germline.
Comment: This sequence change replaces isoleucine, which is neutral and non-polar, with threonine, which is neutral and polar, at codon 76 of the TGFBR2 protein (p.Ile76Thr). This variant is not present in population databases (gnomAD no frequency). This missense change has been observed in individual(s) with TGFBR2-related conditions (PMID: 33131162, 33258288). This variant is also known as c.302T>C p.Ile101Thr. ClinVar contains an entry for this variant (Variation ID: 3075369). Invitae Evidence Modeling of protein sequence and biophysical properties (such as structural, functional, and spatial information, amino acid conservation, physicochemical variation, residue mobility, and thermodynamic stability) indicates that this missense variant is not expected to disrupt TGFBR2 protein function with a negative predictive value of 95%. In summary, the available evidence is currently insufficient to determine the role of this variant in disease. Therefore, it has been classified as a Variant of Uncertain Significance.

Ambry Genetics
Classification: Uncertain significance for Familial thoracic aortic aneurysm and aortic dissection. Last evaluated: 2025-07-17. Review status: criteria provided, single submitter. Criteria: Ambry Variant Classification Scheme 2023. Collection method: clinical testing. Allele origin: germline.
Comment: The p.I76T variant (also known as c.227T>C), located in coding exon 2 of the TGFBR2 gene, results from a T to C substitution at nucleotide position 227. The isoleucine at codon 76 is replaced by threonine, an amino acid with similar properties. This variant, reported as p.I101T (c.302T>C), has been reported in an exome cohort and in a fetal congenital heart disease cohort (Quaio CRDC et al. Am J Med Genet C Semin Med Genet, 2020 Dec;184:955-964; Liu H et al. Hum Mutat, 2020 Dec;41:2167-2178). This amino acid position is well conserved in available vertebrate species. In addition, the in silico prediction for this alteration is inconclusive. Based on the available evidence, the clinical significance of this variant remains unclear.

All of Us Research Program, National Institutes of Health
Classification: Uncertain significance for Loeys-Dietz syndrome 2. Last evaluated: 2024-01-11. Review status: criteria provided, single submitter. Criteria: ACMG Guidelines, 2015. Collection method: clinical testing. Allele origin: germline. Inheritance: Autosomal dominant inheritance. Observed: 1 variant allele, 1 heterozygote.
Comment: This study involves interpretation of variants in research participants for the purpose of population health screening. Participant phenotype was not available at the time of variant classification. Additional details can be found in publication PMID: 35346344, PMCID: PMC8962531

Literature cited by the submitters: PubMed 33131162 (cited by Labcorp Genetics (formerly Invitae), Labcorp and Ambry Genetics); PubMed 33258288 (cited by Labcorp Genetics (formerly Invitae), Labcorp and Ambry Genetics).